The following is an entry in ClinVar:

ClinVar aggregate classification (germline): Pathogenic/Likely pathogenic. Review status: criteria provided, multiple submitters, no conflicts (2 of 4 stars). 3 submissions from 3 submitters: Pathogenic (2); Likely pathogenic (1). Last evaluated 2025-10-01.

Conditions:
Posterior polymorphous corneal dystrophy 3 (PPCD3). Identifiers: Orphanet 98973, MedGen C1836724, MONDO:0012200, OMIM 609141.
ZEB1-related disorder. Also called: ZEB1-related condition.

Submissions (3):

CeGaT Center for Human Genetics Tuebingen
Classification: Pathogenic. Last evaluated: 2025-10-01. Review status: criteria provided, single submitter. Criteria: CeGaT Center For Human Genetics Tuebingen Variant Classification Criteria Version 2. Collection method: clinical testing. Allele origin: germline. Affected: yes. Observed: 1 variant allele.
Comment: ZEB1: PVS1, PM2, PS4:Moderate, PP1

Genetics and Molecular Pathology, SA Pathology
Classification: Likely pathogenic for Posterior polymorphous corneal dystrophy 3. Last evaluated: 2020-11-11. Review status: criteria provided, single submitter. Criteria: ACMG Guidelines, 2015. Collection method: clinical testing. Allele origin: germline. Inheritance: Autosomal dominant inheritance. Affected: yes.

Blueprint Genetics
Classification: Pathogenic for ZEB1-related disorders. Last evaluated: 2020-04-24. Review status: criteria provided, single submitter. Criteria: ACMG Guidelines, 2015. Collection method: clinical testing. Allele origin: germline. Affected: yes. Observed: 1 variant allele.

NM_001174096.2(ZEB1):c.692_693del (p.His231fs)

Gene: ZEB1 (zinc finger E-box binding homeobox 1; plus strand). Cytogenetic location: 10p11.22.
Variant type: Deletion.
Coding change: c.692_693del on transcript NM_001174096.2 (MANE Select); coding-DNA positions 692 to 693, 2 bases deleted (AT; older notation c.692_693delAT).
Protein change: p.His231fs; shifts the reading frame from histidine 231.
Molecular consequence: frameshift variant.
Genome position (GRCh38, 1-based): chr10:31,514,607-31,514,608, AT deleted. VCF-style (leftmost placement, unchanged base first): chr10-31514606-CAT-C. GRCh37 (hg19) VCF-style: chr10-31803534-CAT-C.
Other names: c.641_642del, p.His214fs (NM_001128128.3); c.629_630del, p.His210fs (NM_001174093.2); c.638_639del, p.His213fs (NM_001174094.2); c.488_489del, p.His163fs (NM_001174095.2); c.35_36del, p.His12fs (NM_001323638.2, NM_001323641.2, NM_001323642.2 and 27 more transcripts); c.467_468del, p.His156fs (NM_001323674.2); c.425_426del, p.His142fs (NM_001323675.2); c.650_651del, p.His217fs (NM_001323676.2); and 3 more; short protein forms H12fs, H139fs, H142fs, H156fs, H163fs, H210fs, H213fs, H214fs.
Identifiers: ClinVar variation 2664719 (VCV002664719.9), dbSNP rs2543770473, ClinGen allele CA1139532897.